The following is an entry in ClinVar:

ClinVar aggregate classification (germline): Uncertain significance (1 of 4 stars; one submission).

Allele frequency attached by ClinVar (database versions not stated): ExAC 0.00002; TOPMed 0.00002; gnomAD 0.00001; ESP Exome Variant Server 0.00008.
gnomAD v4.1: 21 of 1,614,086 alleles (0.0013%); highest among the groups gnomAD compares: South Asian, 0.0077%; no homozygotes.

Submission:

Labcorp Genetics (formerly Invitae), Labcorp
Classification: Uncertain significance. Last evaluated: 2024-08-12. Review status: criteria provided, single submitter. Criteria: Invitae Variant Classification Sherloc (09022015). Collection method: clinical testing. Allele origin: germline.
Comment: This sequence change replaces arginine, which is basic and polar, with cysteine, which is neutral and slightly polar, at codon 1033 of the DUOX2 protein (p.Arg1033Cys). This variant is present in population databases (rs375497461, gnomAD 0.006%). This variant has not been reported in the literature in individuals affected with DUOX2-related conditions. ClinVar contains an entry for this variant (Variation ID: 2061000). Advanced modeling of protein sequence and biophysical properties (such as structural, functional, and spatial information, amino acid conservation, physicochemical variation, residue mobility, and thermodynamic stability) performed at Invitae indicates that this missense variant is expected to disrupt DUOX2 protein function with a positive predictive value of 80%. In summary, the available evidence is currently insufficient to determine the role of this variant in disease. Therefore, it has been classified as a Variant of Uncertain Significance.

NM_001363711.2(DUOX2):c.3097C>T (p.Arg1033Cys)

Gene: DUOX2 (dual oxidase 2; minus strand). Cytogenetic location: 15q21.1.
Variant type: single nucleotide variant.
Coding change: c.3097C>T on transcript NM_001363711.2 (MANE Select); coding-DNA position 3097, C replaced by T.
Protein change: p.Arg1033Cys; replaces arginine 1033 with cysteine.
Molecular consequence: missense variant.
Genome position (GRCh38, 1-based): chr15:45,100,137, G>A on the plus strand (C>T on the coding strand, the complement: DUOX2 is on the minus strand). VCF-style: chr15-45100137-G-A. GRCh37 (hg19) VCF-style: chr15-45392335-G-A.
Other names: c.3097C>T, p.Arg1033Cys (NM_014080.5); short protein forms R1033C.
Identifiers: ClinVar variation 2061000 (VCV002061000.4), dbSNP rs375497461, ClinGen allele CA7538014.